The following is an entry in ClinVar:

NM_001377.3(DYNC2H1):c.8822T>C (p.Val2941Ala)

Gene: DYNC2H1 (dynein cytoplasmic 2 heavy chain 1; plus strand). Cytogenetic location: 11q22.3.
Variant type: single nucleotide variant.
Coding change: c.8822T>C on transcript NM_001377.3 (MANE Select); coding-DNA position 8822, T replaced by C.
Protein change: p.Val2941Ala; replaces valine 2941 with alanine.
Molecular consequence: missense variant.
Genome position (GRCh38, 1-based): chr11:103,215,848, T>C. VCF-style: chr11-103215848-T-C. GRCh37 (hg19) VCF-style: chr11-103086577-T-C.
Other names: c.8822T>C, p.Val2941Ala (NM_001080463.2); short protein forms V2941A.
Identifiers: ClinVar variation 3086501 (VCV003086501.4), dbSNP rs923392944, ClinGen allele CA227415758.

ClinVar aggregate classification (germline): Uncertain significance. Review status: criteria provided, multiple submitters, no conflicts (2 of 4 stars). 3 submissions from 3 submitters: Uncertain significance (3). Last evaluated 2025-01-15.

Conditions:
Inborn genetic diseases. Identifiers: MedGen C0950123, MeSH D030342.
Jeune thoracic dystrophy. Also called: Jeune syndrome; Infantile thoracic dystrophy; Thoracic pelvic phalangeal dystrophy; Jeune's syndrome; Chondroectodermal dysplasia-like syndrome; Short-rib thoracic dysplasia. Identifiers: Orphanet 474, MedGen C0265275, MONDO:0018770.

gnomAD v4.1: 9 of 1,612,618 alleles (0.00056%); highest among the groups gnomAD compares: African/African-American, 0.0027%; no homozygotes.

Submissions (3):

Labcorp Genetics (formerly Invitae), Labcorp
Classification: Uncertain significance for Jeune thoracic dystrophy. Last evaluated: 2025-01-15. Review status: criteria provided, single submitter. Criteria: Invitae Variant Classification Sherloc (09022015). Collection method: clinical testing. Allele origin: germline.
Comment: This sequence change replaces valine, which is neutral and non-polar, with alanine, which is neutral and non-polar, at codon 2941 of the DYNC2H1 protein (p.Val2941Ala). The frequency data for this variant in the population databases is considered unreliable, as metrics indicate poor data quality at this position in the gnomAD database. This variant has not been reported in the literature in individuals affected with DYNC2H1-related conditions. ClinVar contains an entry for this variant (Variation ID: 3086501). Invitae Evidence Modeling of protein sequence and biophysical properties (such as structural, functional, and spatial information, amino acid conservation, physicochemical variation, residue mobility, and thermodynamic stability) indicates that this missense variant is not expected to disrupt DYNC2H1 protein function with a negative predictive value of 95%. In summary, the available evidence is currently insufficient to determine the role of this variant in disease. Therefore, it has been classified as a Variant of Uncertain Significance.

Blueprint Genetics
Classification: Uncertain significance. Last evaluated: 2024-05-24. Review status: criteria provided, single submitter. Criteria: ACMG Guidelines, 2015. Collection method: clinical testing. Allele origin: germline.

Ambry Genetics
Classification: Uncertain significance for Inborn genetic diseases. Last evaluated: 2024-01-09. Review status: criteria provided, single submitter. Criteria: Ambry Variant Classification Scheme 2023. Collection method: clinical testing. Allele origin: germline.